The following is an entry in ClinVar:

NM_017612.5(ZCCHC8):c.1880G>T (p.Gly627Val)

Gene: ZCCHC8 (zinc finger CCHC-type containing 8; minus strand). Cytogenetic location: 12q24.31.
Variant type: single nucleotide variant.
Coding change: c.1880G>T on transcript NM_017612.5 (MANE Select); coding-DNA position 1880, G replaced by T.
Protein change: p.Gly627Val; replaces glycine 627 with valine.
Molecular consequence: missense variant.
Genome position (GRCh38, 1-based): chr12:122,473,741, C>A on the plus strand (G>T on the coding strand, the complement: ZCCHC8 is on the minus strand). VCF-style: chr12-122473741-C-A. GRCh37 (hg19) VCF-style: chr12-122958288-C-A.
Other names: c.1649G>T, p.Gly550Val (NM_001350935.2); c.1583G>T, p.Gly528Val (NM_001350936.2); c.1166G>T, p.Gly389Val (NM_001350937.2, NM_001350938.2); short protein forms G389V, G550V, G627V, G528V.
Identifiers: ClinVar variation 3192569 (VCV003192569.3), dbSNP rs755823723, ClinGen allele CA6846078.

ClinVar aggregate classification (germline): Uncertain significance. Review status: criteria provided, multiple submitters, no conflicts (2 of 4 stars). 2 submissions from 2 submitters: Uncertain significance (2). Last evaluated 2024-09-27.

Allele frequency attached by ClinVar (database versions not stated): ExAC 0.00001; gnomAD 0.00001; gnomAD exomes 0.00001; 1000 Genomes Project 30x 0.00031.
gnomAD v4.1: 4 of 1,613,744 alleles (0.00025%); highest among the groups gnomAD compares: East Asian, 0.0089%; no homozygotes.

Submissions (2):

Labcorp Genetics (formerly Invitae), Labcorp
Classification: Uncertain significance. Last evaluated: 2024-09-27. Review status: criteria provided, single submitter. Criteria: Invitae Variant Classification Sherloc (09022015). Collection method: clinical testing. Allele origin: germline.
Comment: This sequence change replaces glycine, which is neutral and non-polar, with valine, which is neutral and non-polar, at codon 627 of the ZCCHC8 protein (p.Gly627Val). This variant is present in population databases (rs755823723, gnomAD 0.006%). This variant has not been reported in the literature in individuals affected with ZCCHC8-related conditions. Invitae Evidence Modeling of protein sequence and biophysical properties (such as structural, functional, and spatial information, amino acid conservation, physicochemical variation, residue mobility, and thermodynamic stability) indicates that this missense variant is not expected to disrupt ZCCHC8 protein function with a negative predictive value of 80%. In summary, the available evidence is currently insufficient to determine the role of this variant in disease. Therefore, it has been classified as a Variant of Uncertain Significance.

Ambry Genetics
Classification: Uncertain significance. Last evaluated: 2024-02-13. Review status: criteria provided, single submitter. Criteria: Ambry Variant Classification Scheme 2023. Collection method: clinical testing. Allele origin: germline.